The following is an entry in ClinVar:

ClinVar aggregate classification (germline): Uncertain significance. Review status: criteria provided, multiple submitters, no conflicts (2 of 4 stars). 2 submissions from 2 submitters: Uncertain significance (2). Last evaluated 2024-08-26.

Conditions:
Inborn genetic diseases. Identifiers: MedGen C0950123, MeSH D030342.
Bardet-Biedl syndrome (BBS). Identifiers: Orphanet 110, MedGen C0752166, MONDO:0015229.

Allele frequency attached by ClinVar (database versions not stated): TOPMed 0.00002.
gnomAD v4.1: 44 of 1,612,990 alleles (0.0027%); highest among the groups gnomAD compares: Non-Finnish European, 0.0034%; no homozygotes.

Submissions (2):

Ambry Genetics
Classification: Uncertain significance for Inborn genetic diseases. Last evaluated: 2024-08-26. Review status: criteria provided, single submitter. Criteria: Ambry Variant Classification Scheme 2023. Collection method: clinical testing. Allele origin: germline.

Labcorp Genetics (formerly Invitae), Labcorp
Classification: Uncertain significance for Bardet-Biedl syndrome. Last evaluated: 2021-09-01. Review status: criteria provided, single submitter. Criteria: Invitae Variant Classification Sherloc (09022015). Collection method: clinical testing. Allele origin: germline.
Comment: This sequence change replaces threonine with isoleucine at codon 122 of the BBS5 protein (p.Thr122Ile). The threonine residue is highly conserved and there is a moderate physicochemical difference between threonine and isoleucine. This variant is present in population databases (rs74271896, ExAC 0.002%). This variant has not been reported in the literature in individuals affected with BBS5-related conditions. Algorithms developed to predict the effect of missense changes on protein structure and function are either unavailable or do not agree on the potential impact of this missense change (SIFT: "Deleterious"; PolyPhen-2: "Probably Damaging"; Align-GVGD: "Class C0"). In summary, the available evidence is currently insufficient to determine the role of this variant in disease. Therefore, it has been classified as a Variant of Uncertain Significance.

NM_152384.3(BBS5):c.365C>T (p.Thr122Ile)

Gene: BBS5 (Bardet-Biedl syndrome 5; plus strand). Cytogenetic location: 2q31.1.
Variant type: single nucleotide variant.
Coding change: c.365C>T on transcript NM_152384.3 (MANE Select); coding-DNA position 365, C replaced by T.
Protein change: p.Thr122Ile; replaces threonine 122 with isoleucine.
Molecular consequence: missense variant.
Genome position (GRCh38, 1-based): chr2:169,488,093, C>T. VCF-style: chr2-169488093-C-T. GRCh37 (hg19) VCF-style: chr2-170344603-C-T.
Other names: short protein forms T122I.
Identifiers: ClinVar variation 964408 (VCV000964408.7), dbSNP rs74271896, ClinGen allele CA1956191.